The following is an entry in ClinVar:

NM_015991.4(C1QA):c.250T>C (p.Tyr84His)

Gene: C1QA (complement C1q A chain; plus strand). Cytogenetic location: 1p36.12.
Variant type: single nucleotide variant.
Coding change: c.250T>C on transcript NM_015991.4 (MANE Select); coding-DNA position 250, T replaced by C.
Protein change: p.Tyr84His; replaces tyrosine 84 with histidine.
Molecular consequence: missense variant.
Genome position (GRCh38, 1-based): chr1:22,638,919, T>C. VCF-style: chr1-22638919-T-C. GRCh37 (hg19) VCF-style: chr1-22965412-T-C.
Other names: c.250T>C, p.Tyr84His (NM_001347465.2, NM_001347466.2); short protein forms Y84H.
Identifiers: ClinVar variation 2010815 (VCV002010815.4), dbSNP rs2522181742, ClinGen allele CA338928289.

ClinVar aggregate classification (germline): Uncertain significance (1 of 4 stars; one submission).

Submission:

Labcorp Genetics (formerly Invitae), Labcorp
Classification: Uncertain significance. Last evaluated: 2024-11-18. Review status: criteria provided, single submitter. Criteria: Invitae Variant Classification Sherloc (09022015). Collection method: clinical testing. Allele origin: germline.
Comment: This sequence change replaces tyrosine, which is neutral and polar, with histidine, which is basic and polar, at codon 84 of the C1QA protein (p.Tyr84His). This variant is not present in population databases (gnomAD no frequency). This variant has not been reported in the literature in individuals affected with C1QA-related conditions. ClinVar contains an entry for this variant (Variation ID: 2010815). An algorithm developed to predict the effect of missense changes on protein structure and function (PolyPhen-2) suggests that this variant is likely to be tolerated. In summary, the available evidence is currently insufficient to determine the role of this variant in disease. Therefore, it has been classified as a Variant of Uncertain Significance.